The following is an entry in ClinVar:

ClinVar aggregate classification (germline): Uncertain significance. Review status: criteria provided, multiple submitters, no conflicts (2 of 4 stars). 4 submissions from 3 submitters: Uncertain significance (3). 1 of the submissions does not count toward it. Last evaluated 2026-01-01.

Conditions:
Permanent neonatal diabetes mellitus (PNDM). Identifiers: Orphanet 99885, MedGen C1833104, MONDO:0100164, MONDO:0011643. Disease mechanism: gain of function.
ABCC8-related disorder.
Maturity-onset diabetes of the young (MODY). Also called: Maturity onset diabetes mellitus in young. Identifiers: Orphanet 552, MedGen C0342276, MONDO:0018911, HP:0004904.
Transitory neonatal diabetes mellitus. Also called: Transient neonatal diabetes mellitus. Identifiers: MedGen C0342273, MONDO:0020525, HP:0008255.

Allele frequency attached by ClinVar (database versions not stated): gnomAD exomes 0.00001 and 0.00002; gnomAD 0.00003 and 0.00001; 1000 Genomes Project 0.00020; TOPMed 0.00002; 1000 Genomes Project 30x 0.00031; ExAC 0.00002.
gnomAD v4.1: 25 of 1,614,122 alleles (0.0015%); highest among the groups gnomAD compares: South Asian, 0.015%; no homozygotes.

Submissions (4):

Genomic Medicine Center of Excellence, King Faisal Specialist Hospital and Research Centre
Classification: Uncertain significance for Permanent Neonatal Diabetes Mellitus. Last evaluated: 2026-01-01. Review status: criteria provided, single submitter. Criteria: ACMG Guidelines, 2015. Collection method: clinical testing. Allele origin: germline. Affected: yes.

Clinical Genomics, Uppaluri K&H Personalized Medicine Clinic
Classification: Uncertain significance for Maturity-onset diabetes of the young. Review status: criteria provided, single submitter. Criteria: K & H Uppaluri Personalized Medicine Clinic Variant Classification & Assertion Criteria_Updated V.1. Collection method: research. Allele origin: unknown. Inheritance: Somatic mutation.
Comment: Mutations in ABCC8 gene are associated with both neonatal diabetes mellitus as well as MODY. Patients with this mutation may have a better response to sulfonylureas. However, no sufficient evidence is found to ascertain the role of this particular variant (rs565662182) in MODY yet.

Clinical Genomics, Uppaluri K&H Personalized Medicine Clinic
Classification: Uncertain significance for Transitory neonatal diabetes mellitus. Review status: criteria provided, single submitter. Criteria: K & H Uppaluri Personalized Medicine Clinic Variant Classification & Assertion Criteria_Updated V.1. Collection method: research. Allele origin: unknown. Inheritance: Somatic mutation.
Comment: Mutations in ABCC8 gene are associated with both neonatal diabetes mellitus as well as MODY. Patients with this mutation may have a better response to sulfonylureas. However, no sufficient evidence is found to ascertain the role of this particular variant ( rs565662182) in neonatal diabetes yet.

Biochemical Molecular Genetic Laboratory, King Abdulaziz Medical City
Classification: Uncertain significance for ABCC8-related disorder. Last evaluated: 2018-05-07. Review status: no assertion criteria provided. Collection method: clinical testing. Allele origin: germline. Affected: yes. Not counted in ClinVar's aggregate classification.

Literature cited by the submitters: PubMed 16885549 (cited by Clinical Genomics, Uppaluri K&H Personalized Medicine Clinic); PubMed 21989597 (cited by Clinical Genomics, Uppaluri K&H Personalized Medicine Clinic); PubMed 27538677 (cited by Clinical Genomics, Uppaluri K&H Personalized Medicine Clinic); PubMed 18981553 (cited by Clinical Genomics, Uppaluri K&H Personalized Medicine Clinic); PubMed 32027066 (cited by Clinical Genomics, Uppaluri K&H Personalized Medicine Clinic); PubMed 16613899 (cited by Clinical Genomics, Uppaluri K&H Personalized Medicine Clinic); PubMed 18025408 (cited by Clinical Genomics, Uppaluri K&H Personalized Medicine Clinic); PubMed 32792356 (cited by Clinical Genomics, Uppaluri K&H Personalized Medicine Clinic).

NM_000352.6(ABCC8):c.1882G>A (p.Glu628Lys)

Gene: ABCC8 (ATP binding cassette subfamily C member 8; minus strand). Cytogenetic location: 11p15.1.
Variant type: single nucleotide variant.
Coding change: c.1882G>A on transcript NM_000352.6 (MANE Select); coding-DNA position 1882, G replaced by A.
Protein change: p.Glu628Lys; replaces glutamic acid 628 with lysine.
Molecular consequence: missense variant. On other transcripts: non-coding transcript variant (1).
Genome position (GRCh38, 1-based): chr11:17,428,606, C>T on the plus strand (G>A on the coding strand, the complement: ABCC8 is on the minus strand). VCF-style: chr11-17428606-C-T. GRCh37 (hg19) VCF-style: chr11-17450153-C-T.
Other names: c.1882G>A, p.Glu628Lys (NM_001287174.3, NM_001351295.2); c.1879G>A, p.Glu627Lys (NM_001351296.2, NM_001351297.2); short protein forms E628K, E627K.
Identifiers: ClinVar variation 592095 (VCV000592095.3), dbSNP rs565662182, ClinGen allele CA5903404.
Genomic context (GRCh38, chr11:17,428,606, plus strand): 5'-GGGGAGGCCGGGCACTCACCACCGCCTGGTACTTGCTGGCTGGGCCCTGAGGTGTGGGCT[C>T]ATGGGGGGCACACTGCTCCTCACGGATCTCTGCACTGGACAGGAACTCGCTTAGCTTTTG-3'
Protein context (NP_000343.2, residues 618-638): EIREEQCAPH[Glu628Lys]PTPQGPASKY